The following is an entry in ClinVar:

NM_001282531.3(ADNP):c.2735T>C (p.Val912Ala)

Gene: ADNP (activity dependent neuroprotector homeobox; minus strand). Cytogenetic location: 20q13.13.
Variant type: single nucleotide variant.
Coding change: c.2735T>C on transcript NM_001282531.3 (MANE Select); coding-DNA position 2735, T replaced by C.
Protein change: p.Val912Ala; replaces valine 912 with alanine.
Molecular consequence: missense variant.
Genome position (GRCh38, 1-based): chr20:50,891,979, A>G on the plus strand (T>C on the coding strand, the complement: ADNP is on the minus strand). VCF-style: chr20-50891979-A-G. GRCh37 (hg19) VCF-style: chr20-49508516-A-G.
Other names: c.2735T>C, p.Val912Ala (NM_001282532.2, NM_001347511.2, NM_015339.5 and 1 more transcripts); c.2951T>C, p.Val984Ala (NM_001439000.1); c.2051T>C, p.Val684Ala (NM_001439001.1); short protein forms V684A, V912A, V984A.
Identifiers: ClinVar variation 4822550 (VCV004822550.4).

ClinVar aggregate classification (germline): Likely benign (1 of 4 stars; one submission).

gnomAD v4.1: 5 of 1,614,090 alleles (0.00031%); highest among the groups gnomAD compares: Admixed American, 0.0017%; no homozygotes.

Submission:

CeGaT Center for Human Genetics Tuebingen
Classification: Likely benign. Last evaluated: 2026-01-01. Review status: criteria provided, single submitter. Criteria: CeGaT Center For Human Genetics Tuebingen Variant Classification Criteria Version 2. Collection method: clinical testing. Allele origin: germline. Affected: yes. Observed: 1 variant allele.
Comment: ADNP: BP4